The following is an entry in ClinVar:

ClinVar aggregate classification (germline): Uncertain significance (1 of 4 stars; one submission).

gnomAD v4.1: 31 of 1,611,784 alleles (0.0019%); highest among the groups gnomAD compares: East Asian, 0.0045%; no homozygotes.

Submission:

GeneDx
Classification: Uncertain significance. Last evaluated: 2024-05-24. Review status: criteria provided, single submitter. Criteria: GeneDx Variant Classification Process June 2021. Collection method: clinical testing. Allele origin: germline. Affected: yes.
Comment: Not observed at significant frequency in large population cohorts (gnomAD); In silico analysis indicates that this missense variant does not alter protein structure/function; Has not been previously published as pathogenic or benign to our knowledge

NM_001129.5(AEBP1):c.748A>G (p.Ile250Val)

Gene: AEBP1 (AE binding protein 1; plus strand). Cytogenetic location: 7p13.
Variant type: single nucleotide variant.
Coding change: c.748A>G on transcript NM_001129.5 (MANE Select); coding-DNA position 748, A replaced by G.
Protein change: p.Ile250Val; replaces isoleucine 250 with valine.
Molecular consequence: missense variant.
Genome position (GRCh38, 1-based): chr7:44,107,817, A>G. VCF-style: chr7-44107817-A-G. GRCh37 (hg19) VCF-style: chr7-44147416-A-G.
Other names: short protein forms I250V.
Identifiers: ClinVar variation 3381356 (VCV003381356.1).
Genomic context (GRCh38, chr7:44,107,817, plus strand): 5'-CAATGGGCCCATCCCAGCCTTGGGCCCCACTCTGAGCCAGCCTCCCCCTCAGTTGAGTAC[A>G]TTCGGCGCCAGAAGCAACCCAGGCCACCCCCAAGCAGAAGGAGGAGGCCCGAGCGGGTCT-3'
Protein context (NP_001120.3, residues 240-260): EREDYEDFEY[Ile250Val]RRQKQPRPPP